The following is an entry in ClinVar:

NM_000780.4(CYP7A1):c.837C>A (p.His279Gln)

Gene: CYP7A1 (cytochrome P450 family 7 subfamily A member 1; minus strand). Cytogenetic location: 8q12.1.
Variant type: single nucleotide variant.
Coding change: c.837C>A on transcript NM_000780.4 (MANE Select); coding-DNA position 837, C replaced by A.
Protein change: p.His279Gln; replaces histidine 279 with glutamine.
Molecular consequence: missense variant.
Genome position (GRCh38, 1-based): chr8:58,496,675, G>T on the plus strand (C>A on the coding strand, the complement: CYP7A1 is on the minus strand). VCF-style: chr8-58496675-G-T. GRCh37 (hg19) VCF-style: chr8-59409234-G-T.
Other names: short protein forms H279Q.
Identifiers: ClinVar variation 2729804 (VCV002729804.3), dbSNP rs1166915150, ClinGen allele CA371293106.

ClinVar aggregate classification (germline): Uncertain significance (1 of 4 stars; one submission).

gnomAD v4.1: 5 of 1,614,238 alleles (0.00031%); highest among the groups gnomAD compares: Middle Eastern, 0.017%; no homozygotes.

Submission:

Labcorp Genetics (formerly Invitae), Labcorp
Classification: Uncertain significance. Last evaluated: 2023-12-01. Review status: criteria provided, single submitter. Criteria: Invitae Variant Classification Sherloc (09022015). Collection method: clinical testing. Allele origin: germline.
Comment: This sequence change replaces histidine, which is basic and polar, with glutamine, which is neutral and polar, at codon 279 of the CYP7A1 protein (p.His279Gln). This variant is not present in population databases (gnomAD no frequency). This variant has not been reported in the literature in individuals affected with CYP7A1-related conditions. Advanced modeling of protein sequence and biophysical properties (such as structural, functional, and spatial information, amino acid conservation, physicochemical variation, residue mobility, and thermodynamic stability) performed at Invitae indicates that this missense variant is expected to disrupt CYP7A1 protein function with a positive predictive value of 80%. In summary, the available evidence is currently insufficient to determine the role of this variant in disease. Therefore, it has been classified as a Variant of Uncertain Significance.